The following is an entry in ClinVar:

NM_174936.4(PCSK9):c.17C>T (p.Ser6Phe)

Gene: PCSK9 (proprotein convertase subtilisin/kexin type 9; plus strand). Cytogenetic location: 1p32.3.
Variant type: single nucleotide variant.
Coding change: c.17C>T on transcript NM_174936.4 (MANE Select); coding-DNA position 17, C replaced by T.
Protein change: p.Ser6Phe; replaces serine 6 with phenylalanine.
Molecular consequence: missense variant.
Genome position (GRCh38, 1-based): chr1:55,039,854, C>T. VCF-style: chr1-55039854-C-T. GRCh37 (hg19) VCF-style: chr1-55505527-C-T.
Other names: short protein forms S6F.
Identifiers: ClinVar variation 926307 (VCV000926307.4), dbSNP rs1644584130, ClinGen allele CA340482615.

ClinVar aggregate classification (germline): Uncertain significance (1 of 4 stars; one submission).

Conditions:
Familial hypercholesterolemia. Also called: Familial hypercholesterolaemia. Identifiers: MedGen C0020445, MONDO:0005439.

Submission:

Color Diagnostics, LLC DBA Color Health
Classification: Uncertain significance for Familial hypercholesterolemia. Last evaluated: 2024-03-06. Review status: criteria provided, single submitter. Criteria: ACMG Guidelines, 2015. Collection method: clinical testing. Allele origin: germline.
Comment: This missense variant replaces serine with phenylalanine at codon 6 of the PCSK9 protein. Computational prediction suggests that this variant may not impact protein structure and function (internally defined REVEL score threshold <= 0.5, PMID: 27666373). Splice site prediction tools suggest that this variant may not impact RNA splicing. To our knowledge, functional studies have not been performed for this variant. This variant has not been reported in individuals affected with familial hypercholesterolemia in the literature. This variant has not been identified in the general population by the Genome Aggregation Database (gnomAD). The available evidence is insufficient to determine the role of this variant in disease conclusively. Therefore, this variant is classified as a Variant of Uncertain Significance.